The following is an entry in ClinVar:

NM_001098.3(ACO2):c.885del (p.Val296fs)

Gene: ACO2 (aconitase 2; plus strand). Cytogenetic location: 22q13.2.
Variant type: Deletion.
Coding change: c.885del on transcript NM_001098.3 (MANE Select); coding-DNA position 885, one base deleted (C; older notation c.885delC).
Protein change: p.Val296fs; shifts the reading frame from valine 296.
Molecular consequence: frameshift variant.
Genome position (GRCh38, 1-based): chr22:41,517,576, C deleted; the last of 2 consecutive C bases (chr22:41,517,575-41,517,576); deleting either gives the same sequence. VCF-style (leftmost placement, unchanged base first): chr22-41517574-TC-T. GRCh37 (hg19) VCF-style: chr22-41913578-TC-T.
Other names: short protein forms V296fs.
Identifiers: ClinVar variation 4995301 (VCV004995301.1).

ClinVar aggregate classification (germline): Likely pathogenic (1 of 4 stars; one submission).

Conditions:
ACO2-related disorder. Also called: ACO2-Related Disorders.

Submission:

PreventionGenetics, part of Exact Sciences
Classification: Likely pathogenic for ACO2-related condition. Last evaluated: 2026-08-04. Review status: criteria provided, single submitter. Criteria: ACMG Guidelines, 2015. Collection method: clinical testing. Allele origin: germline.
Comment: The ACO2 c.885delC variant is predicted to result in a frameshift and premature protein termination (p.Val296Cysfs*8). To our knowledge, this variant has not been reported in the literature. This variant is absent in a large population database (gnomAD), indicating this variant is rare. Frameshift variants in ACO2 are an established mechanism of disease. This variant is interpreted as likely pathogenic.